The following is an entry in ClinVar:

NM_004974.4(KCNA2):c.884T>C (p.Val295Ala)

Gene: KCNA2 (potassium voltage-gated channel subfamily A member 2; minus strand). Cytogenetic location: 1p13.3.
Variant type: single nucleotide variant.
Coding change: c.884T>C on transcript NM_004974.4 (MANE Select); coding-DNA position 884, T replaced by C.
Protein change: p.Val295Ala; replaces valine 295 with alanine.
Molecular consequence: missense variant.
Genome position (GRCh38, 1-based): chr1:110,603,899, A>G on the plus strand (T>C on the coding strand, the complement: KCNA2 is on the minus strand). VCF-style: chr1-110603899-A-G. GRCh37 (hg19) VCF-style: chr1-111146521-A-G.
Other names: c.884T>C, p.Val295Ala (NM_001204269.2); short protein forms V295A.
Identifiers: ClinVar variation 5009905 (VCV005009905.1).

ClinVar aggregate classification (germline): Uncertain significance (1 of 4 stars; one submission).

Submission:

GeneDx
Classification: Uncertain significance. Last evaluated: 2026-02-24. Review status: criteria provided, single submitter. Criteria: GeneDx Variant Classification Process June 2021. Collection method: clinical testing. Allele origin: germline.
Comment: Not observed at significant frequency in large population cohorts (gnomAD); In silico analysis supports that this missense variant has a deleterious effect on protein structure/function; Has not been previously published as pathogenic or benign to our knowledge